The following is an entry in ClinVar:

NM_023067.4(FOXL2):c.152del (p.Pro51fs)

Gene: FOXL2 (forkhead box L2; minus strand). Cytogenetic location: 3q22.3.
Variant type: Deletion.
Coding change: c.152del on transcript NM_023067.4 (MANE Select); coding-DNA position 152, one base deleted (C; older notation c.152delC).
Protein change: p.Pro51fs; shifts the reading frame from proline 51.
Molecular consequence: frameshift variant.
Genome position (GRCh38, 1-based): chr3:138,946,571, G deleted on the plus strand (C on the coding strand, the reverse complement: FOXL2 is on the minus strand); the first of 3 consecutive G bases (chr3:138,946,571-138,946,573); deleting any one gives the same sequence. VCF-style (leftmost placement, unchanged base first): chr3-138946570-CG-C. GRCh37 (hg19) VCF-style: chr3-138665412-CG-C.
Other names: short protein forms P51fs.
Identifiers: ClinVar variation 2097544 (VCV002097544.4), dbSNP rs2473815258, ClinGen allele CA2580068854.
Genomic context (GRCh38, chr3:138,946,570, plus strand): 5'-CGCGCTCTCGCGGATCGCCATGGCGATGAGCGCCACGTACGAGTACGGGGGCTTCTGCGC[CG>C]GGTCCGGCTTCTCCGGGGCTGTCCCGCCGCCACCCCCACCGCCCTTGCCTGGGCTCGGCG-3'

ClinVar aggregate classification (germline): Pathogenic (1 of 4 stars; one submission).

Submission:

Labcorp Genetics (formerly Invitae), Labcorp
Classification: Pathogenic. Last evaluated: 2022-02-14. Review status: criteria provided, single submitter. Criteria: Invitae Variant Classification Sherloc (09022015). Collection method: clinical testing. Allele origin: germline.
Comment: This variant disrupts a region of the FOXL2 protein in which other variant(s) (p.Ala304Hisfs*52) have been determined to be pathogenic (Invitae). This suggests that this is a clinically significant region of the protein, and that variants that disrupt it are likely to be disease-causing. For these reasons, this variant has been classified as Pathogenic. This variant has not been reported in the literature in individuals affected with FOXL2-related conditions. This variant is not present in population databases (gnomAD no frequency). This sequence change creates a premature translational stop signal (p.Pro51Argfs*99) in the FOXL2 gene. While this is not anticipated to result in nonsense mediated decay, it is expected to disrupt the last 326 amino acid(s) of the FOXL2 protein.